The following is an entry in ClinVar:

NM_014141.6(CNTNAP2):c.2006T>C (p.Met669Thr)

Gene: CNTNAP2 (contactin associated protein 2; plus strand). Cytogenetic location: 7q35.
Variant type: single nucleotide variant.
Coding change: c.2006T>C on transcript NM_014141.6 (MANE Select); coding-DNA position 2006, T replaced by C.
Protein change: p.Met669Thr; replaces methionine 669 with threonine.
Molecular consequence: missense variant.
Genome position (GRCh38, 1-based): chr7:147,639,214, T>C. VCF-style: chr7-147639214-T-C. GRCh37 (hg19) VCF-style: chr7-147336306-T-C.
Other names: short protein forms M669T.
Identifiers: ClinVar variation 1317534 (VCV001317534.3), dbSNP rs2116924099, ClinGen allele CA369926273.

ClinVar aggregate classification (germline): Uncertain significance. Review status: criteria provided, multiple submitters, no conflicts (2 of 4 stars). 2 submissions from 2 submitters: Uncertain significance (2). Last evaluated 2026-06-04.

Conditions:
Inborn genetic diseases. Identifiers: MedGen C0950123, MeSH D030342.

Allele frequency attached by ClinVar (database versions not stated): gnomAD exomes below 0.00001.
gnomAD v4.1: 2 of 1,614,146 alleles (0.00012%); highest among the groups gnomAD compares: South Asian, 0.0011%; no homozygotes.

Submissions (2):

Ambry Genetics
Classification: Uncertain significance for Inborn genetic diseases. Last evaluated: 2026-06-04. Review status: criteria provided, single submitter. Criteria: Ambry Variant Classification Scheme 2023. Collection method: clinical testing. Allele origin: germline.

GeneDx
Classification: Uncertain significance. Last evaluated: 2021-04-05. Review status: criteria provided, single submitter. Criteria: GeneDx Variant Classification Process June 2021. Collection method: clinical testing. Allele origin: germline. Affected: yes.
Comment: Not observed in large population cohorts (Lek et al., 2016); In silico analysis supports that this missense variant does not alter protein structure/function; Has not been previously published as pathogenic or benign to our knowledge